The following is an entry in ClinVar:

ClinVar aggregate classification (germline): Uncertain significance. Review status: criteria provided, multiple submitters, no conflicts (2 of 4 stars). 4 submissions from 4 submitters: Uncertain significance (4). Last evaluated 2026-08-06.

Conditions:
Inborn genetic diseases. Identifiers: MedGen C0950123, MeSH D030342.
Troyer syndrome (SPG20). Identifiers: Orphanet 101000, MedGen C0393559, MONDO:0010156, OMIM 275900.

Allele frequency attached by ClinVar (database versions not stated): gnomAD 0.00004 and 0.00006; ExAC 0.00005; ESP Exome Variant Server 0.00008; gnomAD exomes 0.00004 and 0.00013; TOPMed 0.00005.
gnomAD v4.1: 203 of 1,614,092 alleles (0.013%); highest among the groups gnomAD compares: Middle Eastern, 0.049%; no homozygotes.

Submissions (4):

OLLIN Analises Genomicas, OLLIN
Classification: Uncertain significance for Troyer syndrome. Last evaluated: 2026-08-06. Review status: criteria provided, single submitter. Criteria: ACMG Guidelines 2015 PMID 25741868. Collection method: clinical testing. Allele origin: germline. Inheritance: Autosomal recessive inheritance.
Comment: This missense variant, located in exon 2 (of 9), has been reported in ClinVar (accession VCV000409265.6) and in gnomAD with an allele frequency of 0.013%. However, to our knowledge, it has not been reported in the scientific literature. In silico analysis predicts that this variant has a deleterious effect. According to the currently available evidence, this variant has been classified as uncertain significance (PM2_P, PP3).

Blueprint Genetics
Classification: Uncertain significance. Last evaluated: 2024-09-15. Review status: criteria provided, single submitter. Criteria: ACMG Guidelines, 2015. Collection method: clinical testing. Allele origin: germline.

Ambry Genetics
Classification: Uncertain significance for Inborn genetic diseases. Last evaluated: 2023-09-23. Review status: criteria provided, single submitter. Criteria: Ambry Variant Classification Scheme 2023. Collection method: clinical testing. Allele origin: germline.

Labcorp Genetics (formerly Invitae), Labcorp
Classification: Uncertain significance. Last evaluated: 2022-07-15. Review status: criteria provided, single submitter. Criteria: Invitae Variant Classification Sherloc (09022015). Collection method: clinical testing. Allele origin: germline.
Comment: This sequence change replaces tyrosine, which is neutral and polar, with cysteine, which is neutral and slightly polar, at codon 187 of the SPART protein (p.Tyr187Cys). This variant is present in population databases (rs375284717, gnomAD 0.006%). This variant has not been reported in the literature in individuals affected with SPART-related conditions. ClinVar contains an entry for this variant (Variation ID: 409265). Algorithms developed to predict the effect of missense changes on protein structure and function are either unavailable or do not agree on the potential impact of this missense change (SIFT: "Deleterious"; PolyPhen-2: "Probably Damaging"; Align-GVGD: "Class C0"). In summary, the available evidence is currently insufficient to determine the role of this variant in disease. Therefore, it has been classified as a Variant of Uncertain Significance.

NM_015087.5(SPART):c.560A>G (p.Tyr187Cys)

Gene: SPART (spartin; minus strand). Cytogenetic location: 13q13.3.
Variant type: single nucleotide variant.
Coding change: c.560A>G on transcript NM_015087.5 (MANE Select); coding-DNA position 560, A replaced by G.
Protein change: p.Tyr187Cys; replaces tyrosine 187 with cysteine.
Molecular consequence: missense variant.
Genome position (GRCh38, 1-based): chr13:36,335,271, T>C on the plus strand (A>G on the coding strand, the complement: SPART is on the minus strand). VCF-style: chr13-36335271-T-C. GRCh37 (hg19) VCF-style: chr13-36909408-T-C.
Other names: c.560A>G, p.Tyr187Cys (NM_001142294.2, NM_001142295.2, NM_001142296.2); short protein forms Y187C.
Identifiers: ClinVar variation 409265 (VCV000409265.8), dbSNP rs375284717, ClinGen allele CA6949616.